The following is an entry in ClinVar:

NM_000214.3(JAG1):c.28T>G (p.Ser10Ala)

Gene: JAG1 (jagged canonical Notch ligand 1; minus strand). Cytogenetic location: 20p12.2.
Variant type: single nucleotide variant.
Coding change: c.28T>G on transcript NM_000214.3 (MANE Select); coding-DNA position 28, T replaced by G.
Protein change: p.Ser10Ala; replaces serine 10 with alanine.
Molecular consequence: missense variant.
Genome position (GRCh38, 1-based): chr20:10,673,503, A>C on the plus strand (T>G on the coding strand, the complement: JAG1 is on the minus strand). VCF-style: chr20-10673503-A-C. GRCh37 (hg19) VCF-style: chr20-10654151-A-C.
Other names: short protein forms S10A.
Identifiers: ClinVar variation 3573127 (VCV003573127.2).
Genomic context (GRCh38, chr20:10,673,503, plus strand): 5'-CTCCTACCTTGGCTCGCAGGGCACAGAGCAGGGCGAGCAGGAGGCTTAGGGGGCGCCCGG[A>C]CCGGCCGCGCGTCCGTGGGGAACGCATCGCTGCGCCGCGCGCCGCGGGCACTCGGGACGC-3'
Protein context (NP_000205.1, residues 1-20): MRSPRTRGR[Ser10Ala]GRPLSLLLAL

Conditions:
Arteriohepatic dysplasia. Also called: Alagille Syndrome. Identifiers: Orphanet 52, MedGen C0085280, MeSH D016738, MONDO:0007318.

Submission:

Gilbert/Spinner Lab, Children's Hospital of Philadelphia
No classification provided (evidence only). Condition: Alagille syndrome. Review status: no classification provided. Collection method: research. Allele origin: not applicable. Functional consequence: functionally_abnormal.
ClinVar note: "not provided" was previously submitted as the classification for the variant. However, the classification appeared to be based only on an observation of functional data so it was converted to no classification on 2025-07-30.